The following is an entry in ClinVar:

NM_001081.4(CUBN):c.6114G>C (p.Val2038=)

Gene: CUBN (cubilin; minus strand). Cytogenetic location: 10p13.
Variant type: single nucleotide variant.
Coding change: c.6114G>C on transcript NM_001081.4 (MANE Select); coding-DNA position 6114, G replaced by C.
Protein change: p.Val2038=; no amino-acid change (valine 2038 retained).
Molecular consequence: synonymous variant.
Genome position (GRCh38, 1-based): chr10:16,933,097, C>G on the plus strand (G>C on the coding strand, the complement: CUBN is on the minus strand). VCF-style: chr10-16933097-C-G. GRCh37 (hg19) VCF-style: chr10-16975096-C-G.
Identifiers: ClinVar variation 2748808 (VCV002748808.4), dbSNP rs747180240, ClinGen allele CA5423806.

ClinVar aggregate classification (germline): Likely benign. Review status: criteria provided, single submitter (1 of 4 stars). 2 submissions from 2 submitters: Likely benign (1). 1 of the submissions does not count toward it. Last evaluated 2025-01-06.

Conditions:
Imerslund-Grasbeck syndrome. Also called: ENTEROCYTE COBALAMIN MALABSORPTION; ENTEROCYTE INTRINSIC FACTOR RECEPTOR, DEFECT OF; Imerslund-Gräsbeck syndrome; PERNICIOUS ANEMIA, JUVENILE, DUE TO SELECTIVE INTESTINAL MALABSORPTION OF VITAMIN B12, WITH PROTEINURIA; Megaloblastic anemia due to inborn errors of metabolism. Identifiers: Orphanet 35858, MedGen C4551825, MONDO:0009853.
CUBN-related disorder. Also called: CUBN-related condition.

Allele frequency attached by ClinVar (database versions not stated): ExAC 0.00001.
gnomAD v4.1: 4 of 1,613,814 alleles (0.00025%); highest among the groups gnomAD compares: Admixed American, 0.0033%; no homozygotes.

Submissions (2):

Labcorp Genetics (formerly Invitae), Labcorp
Classification: Likely benign for Imerslund-Grasbeck syndrome. Last evaluated: 2025-01-06. Review status: criteria provided, single submitter. Criteria: Invitae Variant Classification Sherloc (09022015). Collection method: clinical testing. Allele origin: germline.

PreventionGenetics, part of Exact Sciences
Classification: Likely benign for CUBN-related condition. Last evaluated: 2019-09-13. Review status: no assertion criteria provided. Collection method: clinical testing. Allele origin: germline. Not counted in ClinVar's aggregate classification.
Comment: This variant is classified as likely benign based on ACMG/AMP sequence variant interpretation guidelines (Richards et al. 2015 PMID: 25741868, with internal and published modifications).